The following is an entry in ClinVar:

ClinVar aggregate classification (germline): Uncertain significance (1 of 4 stars; one submission).

Conditions:
Combined immunodeficiency due to LRBA deficiency. Also called: Common variable immunodeficiency 8, with autoimmunity. Identifiers: Orphanet 445018, MedGen C3553512, MONDO:0013863, OMIM 614700.

Submission:

Labcorp Genetics (formerly Invitae), Labcorp
Classification: Uncertain significance for Combined immunodeficiency due to LRBA deficiency. Last evaluated: 2022-03-18. Review status: criteria provided, single submitter. Criteria: Invitae Variant Classification Sherloc (09022015). Collection method: clinical testing. Allele origin: germline.
Comment: This sequence change replaces asparagine, which is neutral and polar, with serine, which is neutral and polar, at codon 6 of the LRBA protein (p.Asn6Ser). This variant is not present in population databases (gnomAD no frequency). This variant has not been reported in the literature in individuals affected with LRBA-related conditions. Algorithms developed to predict the effect of missense changes on protein structure and function output the following: SIFT: "Tolerated"; PolyPhen-2: "Benign"; Align-GVGD: "Class C0". The serine amino acid residue is found in multiple mammalian species, which suggests that this missense change does not adversely affect protein function. In summary, the available evidence is currently insufficient to determine the role of this variant in disease. Therefore, it has been classified as a Variant of Uncertain Significance.

NM_001364905.1(LRBA):c.17A>G (p.Asn6Ser)

Gene: LRBA (LPS responsive beige-like anchor protein; minus strand). Cytogenetic location: 4q31.3.
Variant type: single nucleotide variant.
Coding change: c.17A>G on transcript NM_001364905.1 (MANE Select); coding-DNA position 17, A replaced by G.
Protein change: p.Asn6Ser; replaces asparagine 6 with serine.
Molecular consequence: missense variant.
Genome position (GRCh38, 1-based): chr4:151,014,626, T>C on the plus strand (A>G on the coding strand, the complement: LRBA is on the minus strand). VCF-style: chr4-151014626-T-C. GRCh37 (hg19) VCF-style: chr4-151935778-T-C.
Other names: c.17A>G, p.Asn6Ser (NM_001199282.3, NM_001367550.1, NM_006726.5); short protein forms N6S.
Identifiers: ClinVar variation 2113370 (VCV002113370.4), dbSNP rs2546908330, ClinGen allele CA358611234.
Genomic context (GRCh38, chr4:151,014,626, plus strand): 5'-GTTTCTTCTCTCCCTCCACCTCCCCCGTCATCACCTGTTGGTGGCGGGGAAGGGACACGA[T>C]TGTCTTCGCTAGCCATTGCTAGCTCACGATAAAGGACAACTCAGAGTCACCCTGGGACGG-3'
Protein context (NP_001351834.1, residues 1-16): MASED[Asn6Ser]RVPSPPPTGD